The following is an entry in ClinVar:

NM_012330.4(KAT6B):c.2137del (p.Val713fs)

Gene: KAT6B (lysine acetyltransferase 6B; plus strand). Cytogenetic location: 10q22.2.
Variant type: Deletion.
Coding change: c.2137del on transcript NM_012330.4 (MANE Select); coding-DNA position 2137, one base deleted (G; older notation c.2137delG).
Protein change: p.Val713fs; shifts the reading frame from valine 713.
Molecular consequence: frameshift variant. On other transcripts: intron variant (2).
Genome position (GRCh38, 1-based): chr10:74,979,245, G deleted; the last of 4 consecutive G bases (chr10:74,979,242-74,979,245); deleting any one gives the same sequence. VCF-style (leftmost placement, unchanged base first): chr10-74979241-TG-T. GRCh37 (hg19) VCF-style: chr10-76738999-TG-T.
Other names: c.1588del, p.Val530fs (NM_001256468.2, NM_001370138.1); c.1261del, p.Val421fs (NM_001256469.2, NM_001370132.1, NM_001370139.1 and 3 more transcripts); c.214del, p.Val72fs (NM_001370134.1); c.2137del, p.Val713fs (NM_001370136.1, NM_001370137.1); c.1072del, p.Val358fs (NM_001370143.1, NM_001370144.1); c.846+9470del (NM_001370133.1); c.193-9774del (NM_001370135.1); short protein forms V358fs, V421fs, V530fs, V713fs, V72fs.
Identifiers: ClinVar variation 4277241 (VCV004277241.1).

ClinVar aggregate classification (germline): Pathogenic (1 of 4 stars; one submission).

Conditions:
Blepharophimosis - intellectual disability syndrome, SBBYS type (SBBYSS). Also called: Say-Barber-Biesecker-Young-Simpson syndrome; Young Simpson syndrome; Mental retardation unusual facies hypothyroidism; Say-Barber-Biesecker variant of Ohdo syndrome (SBBYSS); Say-Barber-Biesecker-Young-Simpson variant of Ohdo Syndrome; Say-Barber-Biesecker Variant of Ohdo Syndrome. Identifiers: Orphanet 3047, MedGen C1863557, MONDO:0011365, OMIM 603736.

Submission:

Institute of Human Genetics, Heidelberg University
Classification: Pathogenic for Blepharophimosis - intellectual disability syndrome, SBBYS type. Last evaluated: 2025-02-21. Review status: criteria provided, single submitter. Criteria: ACMG Guidelines, 2015. Collection method: clinical testing. Allele origin: de novo. Affected: yes. Observed: 1 variant allele.
Comment: PVS1_vstrong, PS2_supp, PM2_supp